The following is an entry in ClinVar:

ClinVar aggregate classification (germline): Pathogenic (0 of 4 stars; one submission).

Conditions:
Fanconi anemia complementation group A (FANCA). Also called: Fanconi anemia, group A; FANCA-Related Fanconi Anemia. Identifiers: Orphanet 84, MedGen C3469521, MONDO:0009215, OMIM 227650.

Allele frequency attached by ClinVar (database versions not stated): gnomAD exomes below 0.00001; ESP Exome Variant Server 0.00008.

Submission:

Leiden Open Variation Database
Classification: Pathogenic for Fanconi anemia complementation group A. Last evaluated: 2020-02-28. Review status: no assertion criteria provided. Collection method: curation. Allele origin: germline. Affected: yes.
Comment: Curator: Arleen D. Auerbach. Submitters to LOVD: Arleen D. Auerbach, Daniela Pilonetto.

NM_000135.4(FANCA):c.2778+1G>T

Gene: FANCA (FA complementation group A; minus strand). Cytogenetic location: 16q24.3.
Variant type: single nucleotide variant.
Coding change: c.2778+1G>T on transcript NM_000135.4 (MANE Select); the canonical splice donor site of the intron after coding-DNA position 2778, G replaced by T.
Molecular consequence: splice donor variant.
Genome position (GRCh38, 1-based): chr16:89,764,889, C>A on the plus strand (G>T on the coding strand, the complement: FANCA is on the minus strand). VCF-style: chr16-89764889-C-A. GRCh37 (hg19) VCF-style: chr16-89831297-C-A.
Other names: c.2778+1G>T (NM_001286167.3).
Identifiers: ClinVar variation 974339 (VCV000974339.1), dbSNP rs140180549, ClinGen allele CA286555302.